The following is an entry in ClinVar:

ClinVar aggregate classification (germline): Uncertain significance (1 of 4 stars; one submission).

Allele frequency attached by ClinVar (database versions not stated): gnomAD exomes below 0.00001.
gnomAD v4.1: 2 of 1,613,938 alleles (0.00012%); highest among the groups gnomAD compares: African/African-American, 0.0013%; no homozygotes.

Submission:

Ambry Genetics
Classification: Uncertain significance. Last evaluated: 2021-12-13. Review status: criteria provided, single submitter. Criteria: Ambry Variant Classification Scheme 2023. Collection method: clinical testing. Allele origin: germline.
Comment: The p.N815D variant (also known as c.2443A>G), located in coding exon 16 of the MYOM1 gene, results from an A to G substitution at nucleotide position 2443. The asparagine at codon 815 is replaced by aspartic acid, an amino acid with highly similar properties. This amino acid position is conserved. In addition, the in silico prediction for this alteration is inconclusive. Since supporting evidence is limited at this time, the clinical significance of this alteration remains unclear.

NM_003803.4(MYOM1):c.2443A>G (p.Asn815Asp)

Gene: MYOM1 (myomesin 1; minus strand). Cytogenetic location: 18p11.31.
Variant type: single nucleotide variant.
Coding change: c.2443A>G on transcript NM_003803.4 (MANE Select); coding-DNA position 2443, A replaced by G.
Protein change: p.Asn815Asp; replaces asparagine 815 with aspartic acid.
Molecular consequence: missense variant.
Genome position (GRCh38, 1-based): chr18:3,131,438, T>C on the plus strand (A>G on the coding strand, the complement: MYOM1 is on the minus strand). VCF-style: chr18-3131438-T-C. GRCh37 (hg19) VCF-style: chr18-3131436-T-C.
Other names: c.2443A>G, p.Asn815Asp (NM_019856.2); short protein forms N815D.
Identifiers: ClinVar variation 1791356 (VCV001791356.2), dbSNP rs1408526808, ClinGen allele CA401711263.